The following is an entry in ClinVar:

ClinVar aggregate classification (germline): Uncertain significance (1 of 4 stars; one submission).

Conditions:
Neurodevelopmental disorder with or without hyperkinetic movements and seizures, autosomal dominant. Also called: Intellectual disability, autosomal dominant 8. Identifiers: MedGen C3280282, MONDO:0013655, OMIM 614254.

Submission:

Labcorp Genetics (formerly Invitae), Labcorp
Classification: Uncertain significance for Neurodevelopmental disorder with or without hyperkinetic movements and seizures, autosomal dominant. Last evaluated: 2020-08-20. Review status: criteria provided, single submitter. Criteria: Invitae Variant Classification Sherloc (09022015). Collection method: clinical testing. Allele origin: germline.
Comment: In summary, the available evidence is currently insufficient to determine the role of this variant in disease. Therefore, it has been classified as a Variant of Uncertain Significance. Advanced modeling of protein sequence and biophysical properties (such as structural, functional, and spatial information, amino acid conservation, physicochemical variation, residue mobility, and thermodynamic stability) performed at Invitae indicates that this missense variant is not expected to disrupt GRIN1 protein function. This variant has not been reported in the literature in individuals with GRIN1-related conditions. This variant is not present in population databases (ExAC no frequency). This sequence change replaces glycine with alanine at codon 907 of the GRIN1 protein (p.Gly907Ala). The glycine residue is weakly conserved and there is a small physicochemical difference between glycine and alanine.

NM_007327.4(GRIN1):c.2720G>C (p.Gly907Ala)

Gene: GRIN1 (glutamate ionotropic receptor NMDA type subunit 1; plus strand). Cytogenetic location: 9q34.3.
Variant type: single nucleotide variant.
Coding change: c.2720G>C on transcript NM_007327.4 (MANE Select); coding-DNA position 2720, G replaced by C.
Protein change: p.Gly907Ala; replaces glycine 907 with alanine.
Molecular consequence: missense variant. On other transcripts: intron variant (3).
Genome position (GRCh38, 1-based): chr9:137,167,430, G>C. VCF-style: chr9-137167430-G-C. GRCh37 (hg19) VCF-style: chr9-140061882-G-C.
Other names: c.2609G>C, p.Gly870Ala (NM_021569.4); c.2764-344G>C (NM_001185090.2); c.2653-344G>C (NM_001185091.2); c.2590-344G>C (NM_000832.7); short protein forms G870A, G907A.
Identifiers: ClinVar variation 1052091 (VCV001052091.9), dbSNP rs2131314930, ClinGen allele CA375729600.